The following is an entry in ClinVar:

NM_000075.4(CDK4):c.676del (p.Ile226fs)

Genes: TSPAN31 (tetraspanin 31; plus strand), CDK4 (cyclin dependent kinase 4; minus strand). Cytogenetic location: 12q14.1.
Variant type: Deletion.
Coding change: c.676del on transcript NM_000075.4 (MANE Select); coding-DNA position 676, one base deleted (A; older notation c.676delA).
Protein change: p.Ile226fs; shifts the reading frame from isoleucine 226.
Molecular consequence: frameshift variant. On other transcripts: 3 prime UTR variant (3).
Genome position (GRCh38, 1-based): chr12:57,749,461, T deleted on the plus strand (A on the coding strand, the reverse complement: CDK4 is on the minus strand); the first of 4 consecutive T bases (chr12:57,749,461-57,749,464); deleting any one gives the same sequence. VCF-style (leftmost placement, unchanged base first): chr12-57749460-AT-A. GRCh37 (hg19) VCF-style: chr12-58143243-AT-A.
Other names: c.*2174del (NM_001330168.2, NM_001330169.2, NM_005981.5); short protein forms I226fs.
Identifiers: ClinVar variation 3230242 (VCV003230242.1), dbSNP rs2540897221, ClinGen allele CA2825002065.

ClinVar aggregate classification (germline): Uncertain significance (1 of 4 stars; one submission).

Conditions:
Hereditary cancer-predisposing syndrome. Also called: Neoplastic Syndromes, Hereditary; Tumor predisposition; Hereditary neoplastic syndrome; Hereditary Cancer Syndrome. Identifiers: Orphanet 140162, MedGen C0027672, MeSH D009386, MONDO:0015356.

Submission:

Ambry Genetics
Classification: Uncertain significance for Hereditary cancer-predisposing syndrome. Last evaluated: 2023-12-27. Review status: criteria provided, single submitter. Criteria: Ambry Variant Classification Scheme 2023. Collection method: clinical testing. Allele origin: germline.
Comment: The c.676delA variant, located in coding exon 5 of the CDK4 gene, results from a deletion of one nucleotide at nucleotide position 676, causing a translational frameshift with a predicted alternate stop codon (p.I226Sfs*4). This alteration is expected to result in protein truncation or nonsense-mediated mRNA decay. However, loss of function of CDK4 has not been established as a mechanism of disease. Since supporting evidence is limited at this time, the clinical significance of this alteration remains unclear.